The following is an entry in ClinVar:

NM_000051.4(ATM):c.7618G>A (p.Val2540Ile)

Genes: ATM (ATM serine/threonine kinase; plus strand), C11orf65 (chromosome 11 open reading frame 65; minus strand). Cytogenetic location: 11q22.3.
Variant type: single nucleotide variant.
Coding change: c.7618G>A on transcript NM_000051.4 (MANE Select); coding-DNA position 7618, G replaced by A.
Protein change: p.Val2540Ile; replaces valine 2540 with isoleucine.
Molecular consequence: missense variant. On other transcripts: non-coding transcript variant (1), intron variant (2).
Genome position (GRCh38, 1-based): chr11:108,331,546, G>A. VCF-style: chr11-108331546-G-A. GRCh37 (hg19) VCF-style: chr11-108202273-G-A.
Other names: p.Val2540Ile; c.7618G>A (NM_000051.2); c.7618G>A, p.Val2540Ile (NM_001351834.2); c.641-22475C>T (NM_001330368.2); c.*38+3674C>T (NM_001351110.2); short protein forms V2540I.
Identifiers: ClinVar variation 141579 (VCV000141579.83), dbSNP rs35203200, ClinGen allele CA165843.
Genomic context (GRCh38, chr11:108,331,546, plus strand): 5'-ATGTACCAATTGGCTGCTAGAATGGGGACCAAGATGATGGGAGGCCTAGGATTTCATGAA[G>A]TCCTCAATAATGTAAGTAAACCTGAAAATCAAACCACAATAATTATTTTTATTCTATTAT-3'
Protein context (NP_000042.3, residues 2530-2550): KMMGGLGFHE[Val2540Ile]LNNLISRISM

ClinVar aggregate classification (germline): Conflicting classifications of pathogenicity. Review status: criteria provided, conflicting classifications (1 of 4 stars). 25 submissions from 25 submitters: Uncertain significance (20); Likely benign (3). 2 of the submissions do not count toward it. Last evaluated 2026-04-23.

Conditions:
ATM-related cancer predisposition. Also called: ATM-related cancer susceptibility. Identifiers: MedGen CN377759, MONDO:0700270.
ATM-related disorder. Also called: ATM-related disorders; ATM-related condition.
Hereditary cancer-predisposing syndrome. Also called: Neoplastic Syndromes, Hereditary; Hereditary Cancer Syndrome; Tumor predisposition; Hereditary neoplastic syndrome. Identifiers: Orphanet 140162, MedGen C0027672, MeSH D009386, MONDO:0015356.
Breast and/or ovarian cancer. Identifiers: MedGen CN221562.
Familial cancer of breast. Also called: BREAST CANCER, FAMILIAL; hereditary breast carcinoma; Hereditary breast cancer. Identifiers: Orphanet 227535, MedGen C0346153, MONDO:0016419, OMIM 114480. Disease mechanism: loss of function.
Ataxia-telangiectasia syndrome (AT). Also called: Ataxia-telangiectasia, complementation group D; AT, COMPLEMENTATION GROUP C; Ataxia-telangiectasia; ATAXIA-TELANGIECTASIA, COMPLEMENTATION GROUP A; ATAXIA-TELANGIECTASIA, FRESNO VARIANT; Ataxia-telangiectasia, complementation group E. Identifiers: Orphanet 100, MedGen C0004135, MONDO:0008840, OMIM 208900.
Intellectual disability. Also called: Intellectual functioning disability; Intellectual developmental disorder; intellectual disabilities. Identifiers: MedGen C3714756, MeSH D008607, MONDO:0001071, HP:0001249.

Allele frequency attached by ClinVar (database versions not stated): ExAC 0.00005; gnomAD exomes 0.00004 and 0.00008; gnomAD 0.00003 and 0.00014; TOPMed 0.00026.
gnomAD v4.1: 137 of 1,611,924 alleles (0.0085%); highest among the groups gnomAD compares: Non-Finnish European, 0.0096%; no homozygotes.

Submissions 1 to 5 of 25:

PreventionGenetics, part of Exact Sciences
Classification: Uncertain significance for ATM-related condition. Last evaluated: 2026-04-23. Review status: criteria provided, single submitter. Criteria: ACMG Guidelines, 2015. Collection method: clinical testing. Allele origin: germline.
Comment: The ATM c.7618G>A variant is predicted to result in the amino acid substitution p.Val2540Ile. This variant has been reported in patients with colorectal cancer (eTable 2, Pearlman et al. 2017. PubMed ID: 27978560), breast cancer (Tung et al 2016. PubMed ID: 26976419), and ovarian cancer (Stafford et al. 2017. PubMed ID: 28591191). However, this variant was also reported in a control individual in a breast cancer study (Table S2, Tavtigian et al. 2009. PubMed ID: 19781682). This variant is reported in 0.010% of alleles in individuals of European (non-Finnish) descent in gnomAD and has conflicting interpretations regarding its pathogenicity in ClinVar, ranging from likely benign to uncertain significance (Variation ID: 141579). At this time, the clinical significance of this variant is uncertain due to the absence of conclusive functional and genetic evidence.

Labcorp Genetics (formerly Invitae), Labcorp
Classification: Uncertain significance for Ataxia-telangiectasia syndrome. Last evaluated: 2026-01-28. Review status: criteria provided, single submitter. Criteria: Invitae Variant Classification Sherloc (09022015). Collection method: clinical testing. Allele origin: germline.
Comment: This sequence change replaces valine, which is neutral and non-polar, with isoleucine, which is neutral and non-polar, at codon 2540 of the ATM protein (p.Val2540Ile). This variant is present in population databases (rs35203200, gnomAD 0.009%). This missense change has been observed in individual(s) with gastric cancer, breast cancer, ovarian cancer, chronic lymphocytic leukemia, pancreatic cancer, melanoma, and colorectal cancer (PMID: 25186627, 26689913, 26976419, 27978560, 28591191, 28652578, 29360161, 33850299). ClinVar contains an entry for this variant (Variation ID: 141579). Invitae Evidence Modeling of protein sequence and biophysical properties (such as structural, functional, and spatial information, amino acid conservation, physicochemical variation, residue mobility, and thermodynamic stability) indicates that this missense variant is not expected to disrupt ATM protein function with a negative predictive value of 95%. In summary, the available evidence is currently insufficient to determine the role of this variant in disease. Therefore, it has been classified as a Variant of Uncertain Significance.

KCCC/NGS Laboratory, Kuwait Cancer Control Center
Classification: Uncertain significance for Familial cancer of breast. Last evaluated: 2025-07-08. Review status: criteria provided, single submitter. Criteria: ACMG Guidelines, 2015. Collection method: clinical testing. Allele origin: germline. Inheritance: Autosomal dominant inheritance. Affected: yes. Observed: 1 heterozygote.
Comment: This sequence change replaces valine, which is neutral and non-polar, with isoleucine, which is neutral and non-polar, at codon 2540 of the ATM protein (p.Val2540Ile). The valine at codon 2540 is moderately conserved. This variant is present in population databases (rs35203200, gnomAD 0.009%). This missense change has been observed in individual(s) with gastric cancer, breast cancer, ovarian cancer, chronic lymphocytic leukemia, pancreatic cancer, melanoma, and colorectal cancer (PMID: 25186627, 26689913, 26976419, 27978560, 28591191, 28652578, 29360161, 33850299). ClinVar contains an entry for this variant (Variation ID: 141579). computational analyses (SIFT, PolyPhen-2) predict that this variant is tolerated. In summary, the available evidence is currently insufficient to determine the role of this variant in disease. Therefore, it has been classified as a Variant of Uncertain Significance

Women's Health and Genetics/Laboratory Corporation of America, LabCorp
Classification: Uncertain significance. Last evaluated: 2025-07-08. Review status: criteria provided, single submitter. Criteria: LabCorp Variant Classification Summary - May 2015. Collection method: clinical testing. Allele origin: germline.
Comment: Variant summary: ATM c.7618G>A (p.Val2540Ile) results in a conservative amino acid change located in the PIK-related kinase, FAT domain (IPR003151) of the encoded protein sequence. Algorithms developed to predict the effect of missense changes on protein structure and function are either unavailable or do not agree on the potential impact of this missense change. The variant allele was found at a frequency of 4.8e-05 in 252044 control chromosomes (gnomAD). This frequency is not significantly higher than estimated for a pathogenic variant in ATM causing Ataxia-Telangiectasia (4.8e-05 vs 0.004), allowing no conclusion about variant significance. c.7618G>A has been observed in individuals affected with breast cancer (e.g. Tung_2015, Tung_2016, Hauke_2018, Girard_2019), ovarian cancer (e.g. Stafford_2017), CLL (e.g. Tiao_2017), colorectal cancer (e.g. Pearlman_2016), and pancreatic cancer (e.g. Dudley_2018), but also in healthy controls (e.g. Renwick_2006, Tavtigian_2009). These reports do not provide unequivocal conclusions about association of the variant with Ataxia-Telangiectasia. At least one publication reports experimental evidence evaluating an impact on protein function, finding that the variant results in significant reduction in HDR activity (Baughan_2022). The following publications have been ascertained in the context of this evaluation (PMID: 29360161, 30303537, 29522266, 27720647, 27978560, 31920950, 16832357, 28591191, 19781682, 28652578, 25186627, 26976419, 35354106). ClinVar contains an entry for this variant (Variation ID: 141579). Based on the evidence outlined above, the variant was classified as VUS-possibly pathogenic.

St. Jude Molecular Pathology, St. Jude Children's Research Hospital
Classification: Uncertain significance for Ataxia-telangiectasia syndrome. Last evaluated: 2025-06-17. Review status: criteria provided, single submitter. Criteria: St. Jude Assertion Criteria 2020. Collection method: clinical testing. Allele origin: germline.
Comment: The ATM c.7618G>A p.(Val2540Ile) missense change has a maximum subpopulation frequency of 0.01% in gnomAD v2.1.1. The in silico tool REVEL is inconclusive about a pathogenic or benign effect of this variant on protein function, and to our knowledge functional studies have not been performed. To our knowledge, this variant has not been reported in individuals with ataxia telangiectasia. In summary, the evidence currently available is insufficient to determine the clinical significance of this variant. It has therefore been classified as of uncertain significance.